The following is an entry in ClinVar:

ClinVar aggregate classification (germline): Uncertain significance (1 of 4 stars; one submission).

Conditions:
Myopathy, centronuclear, 2 (CNM2). Also called: MYOTUBULAR MYOPATHY, AUTOSOMAL RECESSIVE. Identifiers: Orphanet 169186, MedGen CN031787, MONDO:0009709, OMIM 255200.

gnomAD v4.1: 2 of 1,558,588 alleles (0.00013%); highest among the groups gnomAD compares: Non-Finnish European, 0.00017%; no homozygotes.

Submission:

Labcorp Genetics (formerly Invitae), Labcorp
Classification: Uncertain significance for Myopathy, centronuclear, 2. Last evaluated: 2025-08-17. Review status: criteria provided, single submitter. Criteria: Invitae Variant Classification Sherloc (09022015). Collection method: clinical testing. Allele origin: germline.
Comment: This sequence change replaces serine, which is neutral and polar, with alanine, which is neutral and non-polar, at codon 333 of the BIN1 protein (p.Ser333Ala). This variant is not present in population databases (gnomAD no frequency). This variant has not been reported in the literature in individuals affected with BIN1-related conditions. Invitae Evidence Modeling of protein sequence and biophysical properties (such as structural, functional, and spatial information, amino acid conservation, physicochemical variation, residue mobility, and thermodynamic stability) indicates that this missense variant is not expected to disrupt BIN1 protein function with a negative predictive value of 80%. In summary, the available evidence is currently insufficient to determine the role of this variant in disease. Therefore, it has been classified as a Variant of Uncertain Significance.

NM_139343.3(BIN1):c.997T>G (p.Ser333Ala)

Gene: BIN1 (bridging integrator 1; minus strand). Cytogenetic location: 2q14.3.
Variant type: single nucleotide variant.
Coding change: c.997T>G on transcript NM_139343.3 (MANE Select); coding-DNA position 997, T replaced by G.
Protein change: p.Ser333Ala; replaces serine 333 with alanine.
Molecular consequence: missense variant.
Genome position (GRCh38, 1-based): chr2:127,059,016, A>C on the plus strand (T>G on the coding strand, the complement: BIN1 is on the minus strand). VCF-style: chr2-127059016-A-C. GRCh37 (hg19) VCF-style: chr2-127816592-A-C.
Other names: c.949T>G, p.Ser317Ala (NM_001320632.2, NM_004305.4, NM_139346.3); c.997T>G, p.Ser333Ala (NM_001320633.2, NM_001320640.2, NM_139344.3 and 1 more transcripts); c.832T>G, p.Ser278Ala (NM_001320634.1); c.904T>G, p.Ser302Ala (NM_001320641.2, NM_139347.3, NM_139348.3 and 3 more transcripts); c.916T>G, p.Ser306Ala (NM_001320642.1); short protein forms S306A, S278A, S302A, S317A, S333A.
Identifiers: ClinVar variation 4735226 (VCV004735226.1).
Genomic context (GRCh38, chr2:127,059,016, plus strand): 5'-AGCCGGAGGAGAAGGAGGGAGGGCAGGGGACCTGCTACCAAGACATCACTCCTACCTGAG[A>C]TGGGGACTTGGGGAGGGTGGCCCCGGGCGTGGCCCCGCCGGCCGGCTCTGGCTCGTGGTT-3'
Protein context (NP_647593.1, residues 323-343): TPGATLPKSP[Ser333Ala]QLRKGPPVPP